The following is an entry in ClinVar:

ClinVar aggregate classification (germline): Uncertain significance. Review status: criteria provided, multiple submitters, no conflicts (2 of 4 stars). 2 submissions from 2 submitters: Uncertain significance (2). Last evaluated 2025-02-04.

Allele frequency attached by ClinVar (database versions not stated): gnomAD 0.00004; gnomAD exomes 0.00004; ESP Exome Variant Server 0.00008; 1000 Genomes Project 30x 0.00031; 1000 Genomes Project 0.00040.
gnomAD v4.1: 90 of 1,611,674 alleles (0.0056%); highest among the groups gnomAD compares: African/African-American, 0.011%; no homozygotes.

Submissions (2):

Labcorp Genetics (formerly Invitae), Labcorp
Classification: Uncertain significance. Last evaluated: 2025-02-04. Review status: criteria provided, single submitter. Criteria: Invitae Variant Classification Sherloc (09022015). Collection method: clinical testing. Allele origin: germline.
Comment: This sequence change replaces alanine, which is neutral and non-polar, with valine, which is neutral and non-polar, at codon 80 of the PITPNM3 protein (p.Ala80Val). This variant is present in population databases (rs144918108, gnomAD 0.01%). This variant has not been reported in the literature in individuals affected with PITPNM3-related conditions. ClinVar contains an entry for this variant (Variation ID: 1061838). An algorithm developed to predict the effect of missense changes on protein structure and function outputs the following: PolyPhen-2: "Benign". The valine amino acid residue is found in multiple mammalian species, which suggests that this missense change does not adversely affect protein function. In summary, the available evidence is currently insufficient to determine the role of this variant in disease. Therefore, it has been classified as a Variant of Uncertain Significance.

Ambry Genetics
Classification: Uncertain significance. Last evaluated: 2021-10-27. Review status: criteria provided, single submitter. Criteria: Ambry Variant Classification Scheme 2023. Collection method: clinical testing. Allele origin: germline.

NM_031220.4(PITPNM3):c.239C>T (p.Ala80Val)

Gene: PITPNM3 (PITPNM family member 3; minus strand). Cytogenetic location: 17p13.1.
Variant type: single nucleotide variant.
Coding change: c.239C>T on transcript NM_031220.4 (MANE Select); coding-DNA position 239, C replaced by T.
Protein change: p.Ala80Val; replaces alanine 80 with valine.
Molecular consequence: missense variant.
Genome position (GRCh38, 1-based): chr17:6,503,562, G>A on the plus strand (C>T on the coding strand, the complement: PITPNM3 is on the minus strand). VCF-style: chr17-6503562-G-A. GRCh37 (hg19) VCF-style: chr17-6406882-G-A.
Other names: c.131C>T, p.Ala44Val (NM_001165966.2); c.239C>T (NM_031220.3); short protein forms A44V, A80V.
Identifiers: ClinVar variation 1061838 (VCV001061838.10), dbSNP rs144918108, ClinGen allele CA8329901.